The following is an entry in ClinVar:

ClinVar aggregate classification (germline): Conflicting classifications of pathogenicity. Review status: criteria provided, conflicting classifications (1 of 4 stars). 3 submissions from 3 submitters: Uncertain significance (2); Likely benign (1). Last evaluated 2024-04-15.

Conditions:
Inborn genetic diseases. Identifiers: MedGen C0950123, MeSH D030342.

Allele frequency attached by ClinVar (database versions not stated): gnomAD 0.00001; TOPMed 0.00001.

Submissions (3):

Ambry Genetics
Classification: Likely benign for Inborn genetic diseases. Last evaluated: 2024-04-15. Review status: criteria provided, single submitter. Criteria: Ambry Variant Classification Scheme 2023. Collection method: clinical testing. Allele origin: germline.

Blueprint Genetics
Classification: Uncertain significance. Last evaluated: 2022-05-18. Review status: criteria provided, single submitter. Criteria: ACMG Guidelines, 2015. Collection method: clinical testing. Allele origin: germline.

Labcorp Genetics (formerly Invitae), Labcorp
Classification: Uncertain significance. Last evaluated: 2022-03-15. Review status: criteria provided, single submitter. Criteria: Invitae Variant Classification Sherloc (09022015). Collection method: clinical testing. Allele origin: germline.
Comment: In summary, the available evidence is currently insufficient to determine the role of this variant in disease. Therefore, it has been classified as a Variant of Uncertain Significance. Algorithms developed to predict the effect of missense changes on protein structure and function output the following: SIFT: "Tolerated"; PolyPhen-2: "Benign"; Align-GVGD: "Class C0". The serine amino acid residue is found in multiple mammalian species, which suggests that this missense change does not adversely affect protein function. This variant has not been reported in the literature in individuals affected with KIAA1549-related conditions. This variant is present in population databases (rs762116971, gnomAD 0.0008%). This sequence change replaces glycine, which is neutral and non-polar, with serine, which is neutral and polar, at codon 526 of the KIAA1549 protein (p.Gly526Ser).

NM_001164665.2(KIAA1549):c.1576G>A (p.Gly526Ser)

Gene: KIAA1549 (KIAA1549; minus strand). Cytogenetic location: 7q34.
Variant type: single nucleotide variant.
Coding change: c.1576G>A on transcript NM_001164665.2 (MANE Select); coding-DNA position 1576, G replaced by A.
Protein change: p.Gly526Ser; replaces glycine 526 with serine.
Molecular consequence: missense variant.
Genome position (GRCh38, 1-based): chr7:138,918,050, C>T on the plus strand (G>A on the coding strand, the complement: KIAA1549 is on the minus strand). VCF-style: chr7-138918050-C-T. GRCh37 (hg19) VCF-style: chr7-138602796-C-T.
Other names: c.1576G>A (NM_001164665.1); c.1576G>A, p.Gly526Ser (NM_020910.3); short protein forms G526S.
Identifiers: ClinVar variation 1935558 (VCV001935558.5), dbSNP rs762116971, ClinGen allele CA4506686.